The following is an entry in ClinVar:

ClinVar aggregate classification (germline): Uncertain significance (1 of 4 stars; one submission).

Conditions:
Long QT syndrome (LQTS). Identifiers: MedGen C0023976, MeSH D008133, MONDO:0002442. Disease mechanism: loss of function. Inheritance: Various modes of inheritance.

Submission:

Labcorp Genetics (formerly Invitae), Labcorp
Classification: Uncertain significance for Long QT syndrome. Last evaluated: 2022-08-31. Review status: criteria provided, single submitter. Criteria: Invitae Variant Classification Sherloc (09022015). Collection method: clinical testing. Allele origin: germline.
Comment: This sequence change replaces lysine, which is basic and polar, with arginine, which is basic and polar, at codon 218 of the KCNQ1 protein (p.Lys218Arg). In summary, the available evidence is currently insufficient to determine the role of this variant in disease. Therefore, it has been classified as a Variant of Uncertain Significance. Algorithms developed to predict the effect of sequence changes on RNA splicing suggest that this variant may create or strengthen a splice site. Algorithms developed to predict the effect of missense changes on protein structure and function are either unavailable or do not agree on the potential impact of this missense change (SIFT: "Tolerated"; PolyPhen-2: "Possibly Damaging"; Align-GVGD: "Class C0"). ClinVar contains an entry for this variant (Variation ID: 1394725). This variant has not been reported in the literature in individuals affected with KCNQ1-related conditions. This variant is not present in population databases (gnomAD no frequency).

NM_000218.3(KCNQ1):c.653A>G (p.Lys218Arg)

Gene: KCNQ1 (potassium voltage-gated channel subfamily Q member 1; plus strand). Cytogenetic location: 11p15.5.
Variant type: single nucleotide variant.
Coding change: c.653A>G on transcript NM_000218.3 (MANE Select); coding-DNA position 653, A replaced by G.
Protein change: p.Lys218Arg; replaces lysine 218 with arginine.
Molecular consequence: missense variant.
Genome position (GRCh38, 1-based): chr11:2,571,373, A>G. VCF-style: chr11-2571373-A-G. GRCh37 (hg19) VCF-style: chr11-2592603-A-G.
Other names: c.653A>G, p.Lys218Arg (NM_001406836.1); c.383A>G, p.Lys128Arg (NM_001406837.1); c.272A>G, p.Lys91Arg (NM_181798.2); short protein forms K91R, K218R, K128R.
Identifiers: ClinVar variation 1394725 (VCV001394725.7), dbSNP rs1848331549, ClinGen allele CA379130598.